The following is an entry in ClinVar:

NM_004333.6(BRAF):c.2128-27_2128-8del

Gene: BRAF (B-Raf proto-oncogene, serine/threonine kinase; minus strand). Cytogenetic location: 7q34.
Variant type: Deletion.
Coding change: c.2128-27_2128-8del on transcript NM_004333.6 (MANE Select); 27 bases into the intron before coding-DNA position 2128 through 8 bases into the intron before coding-DNA position 2128, 20 bases deleted (CTTTTTTTTTTCTTTTTTTT).
Molecular consequence: intron variant.
Genome position (GRCh38, 1-based): chr7:140,734,778-140,734,797, AAAAAAAAGAAAAAAAAAAG deleted on the plus strand (CTTTTTTTTTTCTTTTTTTT on the coding strand, the reverse complement: BRAF is on the minus strand); deleting any 20 consecutive bases within chr7:140,734,778-140,734,805 gives the same sequence; the c. name uses the placement nearest the transcript's 3' end. VCF-style (leftmost placement, unchanged base first): chr7-140734777-AAAAAAAAAGAAAAAAAAAAG-A. GRCh37 (hg19) VCF-style: chr7-140434577-AAAAAAAAAGAAAAAAAAAAG-A.
Other names: c.2127+5015_2127+5034del (NM_001378474.1, NM_001378468.1); c.2026-27_2026-8del (NM_001378470.1); c.1864-27_1864-8del (NM_001378475.1); c.2017-27_2017-8del (NM_001378471.1); c.2128-27_2128-8del (NM_001354609.2); c.2248-27_2248-8del (NM_001374258.1, NM_001374244.1); c.2137-27_2137-8del (NM_001378467.1); c.1972-27_1972-8del (NM_001378472.1, NM_001378473.1); and 1 more.
Identifiers: ClinVar variation 2899511 (VCV002899511.3), dbSNP rs779398466, ClinGen allele CA4516539.
Genomic context (GRCh38, chr7:140,734,777, plus strand): 5'-ACTGCGGTGAATTTTTGGCAATGAGCGGGCCAGCAGCTCAATAGAGGCGAGAATCTACAA[AAAAAAAAAGAAAAAAAAAAG>A]AAAAAAAAAGAAAAAAGAAAAAAAAAGAAAGAAAGAAAAAGAAAAAACAGAAAGAAGAAT-3'

ClinVar aggregate classification (germline): Uncertain significance (1 of 4 stars; one submission).

Conditions:
RASopathy. Also called: rasopathies; Noonan spectrum disorder. Identifiers: Orphanet 536391, MedGen C5555857, MONDO:0021060.

Submission:

Labcorp Genetics (formerly Invitae), Labcorp
Classification: Uncertain significance for RASopathy. Last evaluated: 2023-10-08. Review status: criteria provided, single submitter. Criteria: Invitae Variant Classification Sherloc (09022015). Collection method: clinical testing. Allele origin: germline.
Comment: This sequence change falls in intron 17 of the BRAF gene. It does not directly change the encoded amino acid sequence of the BRAF protein. This variant is not present in population databases (gnomAD no frequency). This variant has not been reported in the literature in individuals affected with BRAF-related conditions. In summary, the available evidence is currently insufficient to determine the role of this variant in disease. Therefore, it has been classified as a Variant of Uncertain Significance.